The following is an entry in ClinVar:

ClinVar aggregate classification (germline): Benign. Review status: criteria provided, single submitter (1 of 4 stars). 2 submissions from 2 submitters: Benign (1). 1 of the submissions does not count toward it. Last evaluated 2019-07-12.

Conditions:
MELAS syndrome (MELAS). Also called: Juvenile myopathy, encephalopathy, lactic acidosis, stroke. Identifiers: Orphanet 550, MedGen C0162671, MONDO:0010789, OMIM 540000.
Familial cancer of breast. Also called: BREAST CANCER, FAMILIAL; Hereditary breast cancer; hereditary breast carcinoma. Identifiers: Orphanet 227535, MedGen C0346153, MONDO:0016419, OMIM 114480. Disease mechanism: loss of function.

Submissions (2):

Wong Mito Lab, Molecular and Human Genetics, Baylor College of Medicine
Classification: Benign for MELAS syndrome. Last evaluated: 2019-07-12. Review status: criteria provided, single submitter. Criteria: Modified ACMG Guidelines (Unpublished). Collection method: clinical testing. Allele origin: germline.
Comment: The NC_012920.1:m.15927G>A variant in MT-TT gene is interpreted to be a Benign variant based on the modified ACMG guidelines (unpublished). This variant meets the following evidence codes reported in the guidelines: BS1, BS2, BP4

Department of Zoology Govt. MVM College
Classification: Likely pathogenic for Familial cancer of breast. Review status: no assertion criteria provided. Collection method: not provided. Allele origin: unknown. Not counted in ClinVar's aggregate classification.
Comment: KM277006
ClinVar note: Converted during submission from probable-pathogenic to Likely pathogenic.

Literature cited by the submitters: PubMed 31965079 (cited by Wong Mito Lab, Molecular and Human Genetics, Baylor College of Medicine).

NC_012920.1(MT-TT):m.15927G>A

Gene: MT-TT (mitochondrially encoded tRNA threonine; plus strand).
Variant type: single nucleotide variant.
Genome position: chrM-15927-G-A.
Identifiers: ClinVar variation 143902 (VCV000143902.4), dbSNP rs193303002, ClinGen allele CA270624.
Genomic context (GRCh38, chrMT:15,927, plus strand): 5'-ACAAAATACTCAAATGGGCCTGTCCTTGTAGTATAAACTAATACACCAGTCTTGTAAACC[G>A]GAGATGAAAACCTTTTTCCAAGGACAAATCAGAGAAAAAGTCTTTAACTCCACCATTAGC-3'